The following is an entry in ClinVar:

NM_000787.4(DBH):c.744+5G>A

Gene: DBH (dopamine beta-hydroxylase; plus strand). Cytogenetic location: 9q34.2.
Variant type: single nucleotide variant.
Coding change: c.744+5G>A on transcript NM_000787.4 (MANE Select); 5 bases into the intron after coding-DNA position 744, G replaced by A.
Molecular consequence: intron variant.
Genome position (GRCh38, 1-based): chr9:133,642,469, G>A. VCF-style: chr9-133642469-G-A. GRCh37 (hg19) VCF-style: chr9-136507591-G-A.
Identifiers: ClinVar variation 2419586 (VCV002419586.8), dbSNP rs372683052, ClinGen allele CA5313168.

ClinVar aggregate classification (germline): Uncertain significance (1 of 4 stars; one submission).

Conditions:
Orthostatic hypotension 1 (ORTHYP1). Also called: NORADRENALINE DEFICIENCY; NOREPINEPHRINE DEFICIENCY; Dopamine beta-hydroxylase deficiency; Orthostatic hypotension 1, due to DBH deficiency. Identifiers: Orphanet 230, MedGen C4746777, MONDO:0009123, OMIM 223360.

Allele frequency attached by ClinVar (database versions not stated): ExAC 0.00006; ESP Exome Variant Server 0.00008.
gnomAD v4.1: 23 of 1,603,764 alleles (0.0014%); highest among the groups gnomAD compares: African/African-American, 0.0067%; no homozygotes.

Submission:

Labcorp Genetics (formerly Invitae), Labcorp
Classification: Uncertain significance for Orthostatic hypotension 1. Last evaluated: 2022-12-25. Review status: criteria provided, single submitter. Criteria: Invitae Variant Classification Sherloc (09022015). Collection method: clinical testing. Allele origin: germline.
Comment: Variants that disrupt the consensus splice site are a relatively common cause of aberrant splicing (PMID: 17576681, 9536098). Algorithms developed to predict the effect of sequence changes on RNA splicing suggest that this variant is not likely to affect RNA splicing. This variant has not been reported in the literature in individuals affected with DBH-related conditions. This variant is present in population databases (rs372683052, gnomAD 0.009%). This sequence change falls in intron 3 of the DBH gene. It does not directly change the encoded amino acid sequence of the DBH protein. It affects a nucleotide within the consensus splice site. In summary, the available evidence is currently insufficient to determine the role of this variant in disease. Therefore, it has been classified as a Variant of Uncertain Significance.

Literature cited by the submitters: PubMed 17576681; PubMed 9536098.